The following is an entry in ClinVar:

NM_024301.5(FKRP):c.557_573delinsTGGGGGAGACGCAGCCCAGGGG (p.Pro186fs)

Gene: FKRP (fukutin related protein; plus strand). Cytogenetic location: 19q13.32.
Variant type: Indel.
Coding change: c.557_573delinsTGGGGGAGACGCAGCCCAGGGG on transcript NM_024301.5 (MANE Select); coding-DNA positions 557 to 573, CCGCCGCGCCCCGCTGC replaced by TGGGGGAGACGCAGCCCAGGGG.
Protein change: p.Pro186fs; shifts the reading frame from proline 186.
Molecular consequence: frameshift variant.
Genome position (GRCh38, 1-based): chr19:46,756,007-46,756,023, CCGCCGCGCCCCGCTGC replaced by TGGGGGAGACGCAGCCCAGGGG. GRCh37 (hg19): chr19:47,259,264-47,259,280.
Other names: c.557_573delinsTGGGGGAGACGCAGCCCAGGGG, p.Pro186fs (NM_001039885.3); short protein forms P186fs.
Identifiers: ClinVar variation 4816132 (VCV004816132.1).
Genomic context (GRCh38, chr19:46,756,007, plus strand): 5'-CCAGGTGCCTGGCCCTGAACGTCAGCCTGCGAGAGTGGACCGCCCGCTATGGCGCAGCCC[CCGCCGCGCCCCGCTGC>TGGGGGAGACGCAGCCCAGGGG]GACGCCCTGGACGGAGATGCTGTGGTGCTCCTGCGCGCCCGCGACCTCTTCAACCTCTCG-3'

ClinVar aggregate classification (germline): Likely pathogenic (1 of 4 stars; one submission).

Conditions:
Autosomal recessive limb-girdle muscular dystrophy type 2I. Also called: MUSCULAR DYSTROPHY-DYSTROGLYCANOPATHY (LIMB-GIRDLE), TYPE C, 5; MUSCULAR DYSTROPHY-DYSTROGLYCANOPATHY, LIMB-GIRDLE, FRKP-RELATED; MUSCULAR DYSTROPHY, LIMB-GIRDLE, TYPE 2I. Identifiers: Orphanet 34515, MedGen C1846672, MONDO:0011787, OMIM 607155.

Submission:

Natera, Inc.
Classification: Likely pathogenic for Limb-girdle muscular dystrophy type 2I. Last evaluated: 2024-12-16. Review status: criteria provided, single submitter. Criteria: Natera Variant Classification Schema (03/2026). Collection method: clinical testing. Allele origin: germline.
Comment: The c.557_573delinsTGGGGGAGACGCAGCCCAGGGG variant in FKRP is a frameshift variant predicted to shift the reading frame beginning at codon 186 and leads to a stop codon 55 codons downstream. This variant is expected to result in nonsense mediated decay, truncation, or a dysfunctional protein product. This variant is rare in the general population with a frequency below the threshold expected for the associated phenotype(s). Given the available evidence, this variant is classified as Likely Pathogenic.